The following is an entry in ClinVar:

NM_001009944.3(PKD1):c.6599G>A (p.Arg2200His)

Gene: PKD1 (polycystin 1, transient receptor potential channel interacting; minus strand). Cytogenetic location: 16p13.3.
Variant type: single nucleotide variant.
Coding change: c.6599G>A on transcript NM_001009944.3 (MANE Select); coding-DNA position 6599, G replaced by A.
Protein change: p.Arg2200His; replaces arginine 2200 with histidine.
Molecular consequence: missense variant.
Genome position (GRCh38, 1-based): chr16:2,108,568, C>T on the plus strand (G>A on the coding strand, the complement: PKD1 is on the minus strand). VCF-style: chr16-2108568-C-T. GRCh37 (hg19) VCF-style: chr16-2158569-C-T.
Other names: c.6599G>A, p.Arg2200His (NM_000296.4); short protein forms R2200H.
Identifiers: ClinVar variation 1807300 (VCV001807300.3), dbSNP rs372375123, ClinGen allele CA7831546.

ClinVar aggregate classification (germline): Conflicting classifications of pathogenicity. Review status: criteria provided, conflicting classifications (1 of 4 stars). 3 submissions from 3 submitters: Uncertain significance (2); Likely benign (1). Last evaluated 2025-06-19.

Allele frequency attached by ClinVar (database versions not stated): ExAC 0.00007; ESP Exome Variant Server 0.00008; TOPMed 0.00008; gnomAD 0.00009; gnomAD exomes 0.00017.
gnomAD v4.1: 244 of 1,568,114 alleles (0.016%); highest among the groups gnomAD compares: Non-Finnish European, 0.02%; no homozygotes.

Submissions (3):

Women's Health and Genetics/Laboratory Corporation of America, LabCorp
Classification: Uncertain significance. Last evaluated: 2025-06-19. Review status: criteria provided, single submitter. Criteria: LabCorp Variant Classification Summary - May 2015. Collection method: clinical testing. Allele origin: germline.
Comment: Variant summary: PKD1 c.6599G>A (p.Arg2200His) results in a non-conservative amino acid change in the encoded protein sequence. Algorithms developed to predict the effect of missense changes on protein structure and function are either unavailable or do not agree on the potential impact of this missense change. The variant allele was found at a frequency of 7.8e-05 in 179532 control chromosomes. This frequency is not significantly higher than estimated for a pathogenic variant in PKD1 causing PKD1-Biallelic Autosomal Recessive Polycystic Kidney Disease, allowing no conclusion about variant significance. To our knowledge, no occurrence of c.6599G>A in individuals affected with PKD1-Biallelic Autosomal Recessive Polycystic Kidney Disease and no experimental evidence demonstrating its impact on protein function have been reported. ClinVar contains an entry for this variant (Variation ID: 1807300). Based on the evidence outlined above, the variant was classified as uncertain significance.

Blueprint Genetics
Classification: Likely benign. Last evaluated: 2023-04-27. Review status: criteria provided, single submitter. Criteria: ACMG Guidelines, 2015. Collection method: clinical testing. Allele origin: germline.

Athena Diagnostics
Classification: Uncertain significance. Last evaluated: 2022-08-11. Review status: criteria provided, single submitter. Criteria: Athena Diagnostics Criteria. Collection method: clinical testing. Allele origin: unknown.